The following is an entry in ClinVar:

ClinVar aggregate classification (germline): Benign/Likely benign. Review status: criteria provided, multiple submitters, no conflicts (2 of 4 stars). 3 submissions from 3 submitters: Benign (1); Likely benign (1). 1 of the submissions does not count toward it. Last evaluated 2026-01-24.

Conditions:
GRXCR2-related disorder. Also called: GRXCR2-related condition.

Allele frequency attached by ClinVar (database versions not stated): gnomAD exomes 0.00046 and 0.00086; ExAC 0.00104; gnomAD 0.00123 and 0.00135; TOPMed 0.00128; ESP Exome Variant Server 0.00169; 1000 Genomes Project 0.00280; 1000 Genomes Project 30x 0.00312.
gnomAD v4.1: 890 of 1,580,194 alleles (0.056%); highest among the groups gnomAD compares: East Asian, 0.53%; 9 homozygotes.

Submissions (3):

Labcorp Genetics (formerly Invitae), Labcorp
Classification: Benign. Last evaluated: 2026-01-24. Review status: criteria provided, single submitter. Criteria: Invitae Variant Classification Sherloc (09022015). Collection method: clinical testing. Allele origin: germline.

Blueprint Genetics
Classification: Likely benign. Last evaluated: 2024-10-23. Review status: criteria provided, single submitter. Criteria: ACMG Guidelines, 2015. Collection method: clinical testing. Allele origin: germline.

PreventionGenetics, part of Exact Sciences
Classification: Likely benign for GRXCR2-related condition. Last evaluated: 2019-12-10. Review status: no assertion criteria provided. Collection method: clinical testing. Allele origin: germline. Not counted in ClinVar's aggregate classification.
Comment: This variant is classified as likely benign based on ACMG/AMP sequence variant interpretation guidelines (Richards et al. 2015 PMID: 25741868, with internal and published modifications).

NM_001080516.2(GRXCR2):c.579C>T (p.Pro193=)

Gene: GRXCR2 (glutaredoxin and cysteine rich domain containing 2; minus strand). Cytogenetic location: 5q32.
Variant type: single nucleotide variant.
Coding change: c.579C>T on transcript NM_001080516.2 (MANE Select); coding-DNA position 579, C replaced by T.
Protein change: p.Pro193=; no amino-acid change (proline 193 retained).
Molecular consequence: synonymous variant.
Genome position (GRCh38, 1-based): chr5:145,859,901, G>A on the plus strand (C>T on the coding strand, the complement: GRXCR2 is on the minus strand). VCF-style: chr5-145859901-G-A. GRCh37 (hg19) VCF-style: chr5-145239464-G-A.
Identifiers: ClinVar variation 721108 (VCV000721108.13), dbSNP rs115520168, ClinGen allele CA3487962.